The following is an entry in ClinVar:

NM_025099.6(CTC1):c.3222G>C (p.Arg1074Ser)

Gene: CTC1 (CST telomere replication complex component 1; minus strand). Cytogenetic location: 17p13.1.
Variant type: single nucleotide variant.
Coding change: c.3222G>C on transcript NM_025099.6 (MANE Select); coding-DNA position 3222, G replaced by C.
Protein change: p.Arg1074Ser; replaces arginine 1074 with serine.
Molecular consequence: missense variant. On other transcripts: non-coding transcript variant (1).
Genome position (GRCh38, 1-based): chr17:8,228,892, C>G on the plus strand (G>C on the coding strand, the complement: CTC1 is on the minus strand). VCF-style: chr17-8228892-C-G. GRCh37 (hg19) VCF-style: chr17-8132210-C-G.
Other names: short protein forms R1074S.
Identifiers: ClinVar variation 1496280 (VCV001496280.8), dbSNP rs1393187047, ClinGen allele CA397969507.

ClinVar aggregate classification (germline): Uncertain significance (1 of 4 stars; one submission).

Conditions:
Dyskeratosis congenita. Identifiers: Orphanet 1775, MedGen C0265965, MONDO:0015780.

Allele frequency attached by ClinVar (database versions not stated): gnomAD exomes 0.00001; gnomAD 0.00002.
gnomAD v4.1: 19 of 1,609,910 alleles (0.0012%); highest among the groups gnomAD compares: Non-Finnish European, 0.0016%; no homozygotes.

Submission:

Labcorp Genetics (formerly Invitae), Labcorp
Classification: Uncertain significance for Dyskeratosis congenita. Last evaluated: 2022-07-14. Review status: criteria provided, single submitter. Criteria: Invitae Variant Classification Sherloc (09022015). Collection method: clinical testing. Allele origin: germline.
Comment: Algorithms developed to predict the effect of missense changes on protein structure and function are either unavailable or do not agree on the potential impact of this missense change (SIFT: "Deleterious"; PolyPhen-2: "Benign"; Align-GVGD: "Class C15"). In summary, the available evidence is currently insufficient to determine the role of this variant in disease. Therefore, it has been classified as a Variant of Uncertain Significance. Algorithms developed to predict the effect of sequence changes on RNA splicing suggest that this variant may disrupt the consensus splice site. ClinVar contains an entry for this variant (Variation ID: 1496280). This variant has not been reported in the literature in individuals affected with CTC1-related conditions. This variant is present in population databases (no rsID available, gnomAD 0.002%). This sequence change replaces arginine, which is basic and polar, with serine, which is neutral and polar, at codon 1074 of the CTC1 protein (p.Arg1074Ser).